The following is an entry in ClinVar:

ClinVar aggregate classification (germline): Likely benign (1 of 4 stars; one submission).

Conditions:
Familial cancer of breast. Also called: BREAST CANCER, FAMILIAL; Hereditary breast cancer; hereditary breast carcinoma. Identifiers: Orphanet 227535, MedGen C0346153, MONDO:0016419, OMIM 114480. Disease mechanism: loss of function.

Submission:

Myriad Genetics, Inc.
Classification: Likely benign for Familial cancer of breast. Last evaluated: 2024-05-17. Review status: criteria provided, single submitter. Criteria: Myriad Autosomal Dominant, Autosomal Recessive and X-Linked Classification Criteria (2023). Collection method: clinical testing. Allele origin: unknown.
Comment: This variant is considered likely benign. This variant is intronic and is not expected to impact mRNA splicing.

NM_000051.4(ATM):c.4437-16T>C

Gene: ATM (ATM serine/threonine kinase; plus strand). Cytogenetic location: 11q22.3.
Variant type: single nucleotide variant.
Coding change: c.4437-16T>C on transcript NM_000051.4 (MANE Select); 16 bases into the intron before coding-DNA position 4437, T replaced by C.
Molecular consequence: intron variant.
Genome position (GRCh38, 1-based): chr11:108,292,603, T>C. VCF-style: chr11-108292603-T-C. GRCh37 (hg19) VCF-style: chr11-108163330-T-C.
Other names: c.4437-16T>C (NM_001351834.2).
Identifiers: ClinVar variation 3253743 (VCV003253743.1), dbSNP rs2546923508.